The following is an entry in ClinVar:

ClinVar aggregate classification (germline): Uncertain significance. Review status: criteria provided, multiple submitters, no conflicts (2 of 4 stars). 4 submissions from 4 submitters: Uncertain significance (4). Last evaluated 2024-06-25.

Conditions:
Cardiomyopathy (CMYO). Also called: Cardiomyopathies. Identifiers: Orphanet 167848, MedGen C0878544, MONDO:0004994, HP:0001638. Inheritance: Various modes of inheritance.
Cardiovascular phenotype. Identifiers: MedGen CN230736.
Arrhythmogenic right ventricular cardiomyopathy (ARVD). Also called: Arrhythmogenic cardiomyopathy; Cardiomyopathy, ARVC; Arrhythmogenic right ventricular dysplasia; Arrhythmogenic Right Ventricular Cardiomyopathy (ARVC). Identifiers: Orphanet 247, MedGen C0349788, MeSH D019571, MONDO:0016587. Disease mechanism: loss of function. Inheritance: Various modes of inheritance.
Arrhythmogenic right ventricular dysplasia 10. Also called: Arrhythmogenic Right Ventricular Dysplasia/Cardiomyopathy10; ARRHYTHMOGENIC RIGHT VENTRICULAR DYSPLASIA, FAMILIAL, 10; Arrhythmogenic right ventricular dysplasia/cardiomyopathy, type 10. Identifiers: MedGen C1857777, MONDO:0012434, OMIM 610193.

gnomAD v4.1: 2 of 1,614,146 alleles (0.00012%); no homozygotes.

Submissions (4):

Labcorp Genetics (formerly Invitae), Labcorp
Classification: Uncertain significance for Arrhythmogenic right ventricular dysplasia 10. Last evaluated: 2024-06-25. Review status: criteria provided, single submitter. Criteria: Invitae Variant Classification Sherloc (09022015). Collection method: clinical testing. Allele origin: germline.
Comment: This sequence change replaces lysine, which is basic and polar, with arginine, which is basic and polar, at codon 48 of the DSG2 protein (p.Lys48Arg). This variant is not present in population databases (gnomAD no frequency). This variant has not been reported in the literature in individuals affected with DSG2-related conditions. ClinVar contains an entry for this variant (Variation ID: 924952). Advanced modeling of protein sequence and biophysical properties (such as structural, functional, and spatial information, amino acid conservation, physicochemical variation, residue mobility, and thermodynamic stability) has been performed at Invitae for this missense variant, however the output from this modeling did not meet the statistical confidence thresholds required to predict the impact of this variant on DSG2 protein function. In summary, the available evidence is currently insufficient to determine the role of this variant in disease. Therefore, it has been classified as a Variant of Uncertain Significance.

Color Diagnostics, LLC DBA Color Health
Classification: Uncertain significance for Cardiomyopathy. Last evaluated: 2024-03-06. Review status: criteria provided, single submitter. Criteria: ACMG Guidelines, 2015. Collection method: clinical testing. Allele origin: germline.
Comment: This missense variant replaces lysine with arginine at codon 48 of the DSG2 protein. Computational prediction is inconclusive regarding the impact of this variant on protein structure and function (internally defined REVEL score threshold 0.5 < inconclusive < 0.7, PMID: 27666373). To our knowledge, functional studies have not been reported for this variant. This variant has not been reported in individuals affected with DSG2-related disorders in the literature. This variant has not been identified in the general population by the Genome Aggregation Database (gnomAD). The available evidence is insufficient to determine the role of this variant in disease conclusively. Therefore, this variant is classified as a Variant of Uncertain Significance.

All of Us Research Program, National Institutes of Health
Classification: Uncertain significance for Arrhythmogenic right ventricular cardiomyopathy. Last evaluated: 2023-06-28. Review status: criteria provided, single submitter. Criteria: ACMG Guidelines, 2015. Collection method: clinical testing. Allele origin: germline. Inheritance: Autosomal dominant inheritance. Observed: 2 variant alleles, 2 heterozygotes.
Comment: This missense variant replaces lysine with arginine at codon 48 of the DSG2 protein. Computational prediction tool is inconclusive regarding the impact of this variant on protein structure and function (internally defined REVEL score threshold 0.5 < inconclusive < 0.7, PMID: 27666373). Splice site prediction tools suggest that this variant may not impact RNA splicing. To our knowledge, functional studies have not been performed for this variant. This variant has not been reported in individuals affected with cardiovascular disorders in the literature. This variant has not been identified in the general population by the Genome Aggregation Database (gnomAD). The available evidence is insufficient to determine the role of this variant in disease conclusively. Therefore, this variant is classified as a Variant of Uncertain Significance.

This study involves interpretation of variants in research participants for the purpose of population health screening. Participant phenotype was not available at the time of variant classification. Additional details can be found in publication PMID: 35346344, PMCID: PMC8962531

Ambry Genetics
Classification: Uncertain significance for Cardiovascular phenotype. Last evaluated: 2023-01-30. Review status: criteria provided, single submitter. Criteria: Ambry Variant Classification Scheme 2023. Collection method: clinical testing. Allele origin: germline.
Comment: The p.K48R variant (also known as c.143A>G), located in coding exon 3 of the DSG2 gene, results from an A to G substitution at nucleotide position 143. The lysine at codon 48 is replaced by arginine, an amino acid with highly similar properties. This amino acid position is conserved. In addition, the in silico prediction for this alteration is inconclusive. Since supporting evidence is limited at this time, the clinical significance of this alteration remains unclear.

NM_001943.5(DSG2):c.143A>G (p.Lys48Arg)

Gene: DSG2 (desmoglein 2; plus strand). Cytogenetic location: 18q12.1.
Variant type: single nucleotide variant.
Coding change: c.143A>G on transcript NM_001943.5 (MANE Select); coding-DNA position 143, A replaced by G.
Protein change: p.Lys48Arg; replaces lysine 48 with arginine.
Molecular consequence: missense variant.
Genome position (GRCh38, 1-based): chr18:31,519,864, A>G. VCF-style: chr18-31519864-A-G. GRCh37 (hg19) VCF-style: chr18-29099827-A-G.
Other names: c.143A>G (NM_001943.3); short protein forms K48R.
Identifiers: ClinVar variation 924952 (VCV000924952.10), dbSNP rs1225118377, ClinGen allele CA402130774.